The following is an entry in ClinVar:

ClinVar aggregate classification (germline): Likely pathogenic (1 of 4 stars; one submission).

Submission:

Mayo Clinic Laboratories, Mayo Clinic
Classification: Likely pathogenic. Last evaluated: 2023-09-01. Review status: criteria provided, single submitter. Criteria: ACMG Guidelines, 2015. Collection method: clinical testing. Allele origin: germline. Observed: 1 variant allele.
Comment: PM2_moderate, PVS1

NM_001195248.2(APTX):c.397_407dup (p.Gly137fs)

Gene: APTX (aprataxin; minus strand). Cytogenetic location: 9p21.1.
Variant type: Duplication.
Coding change: c.397_407dup on transcript NM_001195248.2 (MANE Select); coding-DNA positions 397 to 407, 11 bases duplicated (GAGGCTGGGAC).
Protein change: p.Gly137fs; shifts the reading frame from glycine 137.
Molecular consequence: frameshift variant. On other transcripts: non-coding transcript variant (13), intron variant (1).
Genome position (GRCh38, 1-based): chr9:32,987,620-32,987,630, GTCCCAGCCTC duplicated on the plus strand (GAGGCTGGGAC on the coding strand, the reverse complement: APTX is on the minus strand). VCF-style (leftmost placement, unchanged base first): chr9-32987619-T-TGTCCCAGCCTC. GRCh37 (hg19) VCF-style: chr9-32987617-T-TGTCCCAGCCTC.
Other names: p.Gly137Argfs*19; c.397_407dup, p.Gly137fs (NM_001195249.2, NM_001195251.2, NM_001368995.1 and 6 more transcripts); c.235_245dup, p.Gly83fs (NM_001195250.2, NM_001195254.2, NM_001369000.1 and 1 more transcripts); c.133_143dup, p.Gly49fs (NM_001369002.1, NM_001369003.1, NM_001369004.1 and 5 more transcripts); c.267+130_267+140dup (NM_001195252.2); short protein forms G137fs, G49fs, G83fs.
Identifiers: ClinVar variation 3381048 (VCV003381048.1).